The following is an entry in ClinVar:

ClinVar aggregate classification (germline): Conflicting classifications of pathogenicity. Review status: criteria provided, conflicting classifications (1 of 4 stars). 3 submissions from 3 submitters: Uncertain significance (1); Likely benign (1). 1 of the submissions does not count toward it. Last evaluated 2025-05-18.

Conditions:
COL11A2-related disorder. Also called: COL11A2-related disorders; COL11A2-related condition.

Allele frequency attached by ClinVar (database versions not stated): gnomAD 0.00001.
gnomAD v4.1: 7 of 1,612,844 alleles (0.00043%); highest among the groups gnomAD compares: African/African-American, 0.0027%; no homozygotes.

Submissions (3):

Labcorp Genetics (formerly Invitae), Labcorp
Classification: Likely benign. Last evaluated: 2025-05-18. Review status: criteria provided, single submitter. Criteria: Invitae Variant Classification Sherloc (09022015). Collection method: clinical testing. Allele origin: germline.

Blueprint Genetics
Classification: Uncertain significance. Last evaluated: 2019-04-05. Review status: criteria provided, single submitter. Criteria: ACMG Guidelines, 2015. Collection method: clinical testing. Allele origin: germline.

PreventionGenetics, part of Exact Sciences
Classification: Uncertain significance for COL11A2-related condition. Last evaluated: 2024-09-11. Review status: no assertion criteria provided. Collection method: clinical testing. Allele origin: germline. Not counted in ClinVar's aggregate classification.
Comment: The COL11A2 c.3591A>C variant is predicted to result in the amino acid substitution p.Gln1197His. To our knowledge, this variant has not been reported in the literature. This variant is reported in 0.0066% of alleles in individuals of African descent in gnomAD. At this time, the clinical significance of this variant is uncertain due to the absence of conclusive functional and genetic evidence.

NM_080680.3(COL11A2):c.3591A>C (p.Gln1197His)

Gene: COL11A2 (collagen type XI alpha 2 chain; minus strand). Cytogenetic location: 6p21.32.
Variant type: single nucleotide variant.
Coding change: c.3591A>C on transcript NM_080680.3 (MANE Select); coding-DNA position 3591, A replaced by C.
Protein change: p.Gln1197His; replaces glutamine 1197 with histidine.
Molecular consequence: missense variant.
Genome position (GRCh38, 1-based): chr6:33,170,092, T>G on the plus strand (A>C on the coding strand, the complement: COL11A2 is on the minus strand). VCF-style: chr6-33170092-T-G. GRCh37 (hg19) VCF-style: chr6-33137869-T-G.
Other names: c.3270A>C, p.Gln1090His (NM_080679.3); c.3333A>C, p.Gln1111His (NM_080681.3); c.3591A>C (NM_080680.2); short protein forms Q1090H, Q1111H, Q1197H.
Identifiers: ClinVar variation 2187855 (VCV002187855.6), dbSNP rs1055206078, ClinGen allele CA137064595.